The following is an entry in ClinVar:

NM_000238.4(KCNH2):c.197G>A (p.Cys66Tyr)

Gene: KCNH2 (potassium voltage-gated channel subfamily H member 2; minus strand). Cytogenetic location: 7q36.1.
Variant type: single nucleotide variant.
Coding change: c.197G>A on transcript NM_000238.4 (MANE Select); coding-DNA position 197, G replaced by A.
Protein change: p.Cys66Tyr; replaces cysteine 66 with tyrosine.
Molecular consequence: missense variant.
Genome position (GRCh38, 1-based): chr7:150,974,821, C>T on the plus strand (G>A on the coding strand, the complement: KCNH2 is on the minus strand). VCF-style: chr7-150974821-C-T. GRCh37 (hg19) VCF-style: chr7-150671909-C-T.
Other names: c.20G>A, p.Cys7Tyr (NM_001406755.1); c.197G>A, p.Cys66Tyr (NM_172056.3); short protein forms C66Y, C7Y.
Identifiers: ClinVar variation 545688 (VCV000545688.9), dbSNP rs1554430943, ClinGen allele CA369865648.

ClinVar aggregate classification (germline): Conflicting classifications of pathogenicity. Review status: criteria provided, conflicting classifications (1 of 4 stars). 2 submissions from 2 submitters: Likely pathogenic (1); Uncertain significance (1). Last evaluated 2022-03-11.

Conditions:
Long QT syndrome (LQTS). Identifiers: MedGen C0023976, MeSH D008133, MONDO:0002442. Disease mechanism: loss of function. Inheritance: Various modes of inheritance.
Long QT syndrome 2 (LQT2). Identifiers: Orphanet 101016, Orphanet 768, MedGen C3150943, MONDO:0013367, OMIM 613688.

Submissions (2):

Labcorp Genetics (formerly Invitae), Labcorp
Classification: Uncertain significance for Long QT syndrome. Last evaluated: 2022-03-11. Review status: criteria provided, single submitter. Criteria: Invitae Variant Classification Sherloc (09022015). Collection method: clinical testing. Allele origin: germline.
Comment: In summary, the available evidence is currently insufficient to determine the role of this variant in disease. Therefore, it has been classified as a Variant of Uncertain Significance. This variant disrupts the p.Cys66 amino acid residue in KCNH2. Other variant(s) that disrupt this residue have been determined to be pathogenic (PMID: 10187793, 10973849, 11854117, 23303164, 25417810). This suggests that this residue is clinically significant, and that variants that disrupt this residue are likely to be disease-causing. Algorithms developed to predict the effect of missense changes on protein structure and function are either unavailable or do not agree on the potential impact of this missense change (SIFT: "Deleterious"; PolyPhen-2: "Probably Damaging"; Align-GVGD: "Class C0"). ClinVar contains an entry for this variant (Variation ID: 545688). This missense change has been observed in individual(s) with clinical features of long QT syndrome (PMID: 11854117; Invitae). This variant is not present in population databases (gnomAD no frequency). This sequence change replaces cysteine, which is neutral and slightly polar, with tyrosine, which is neutral and polar, at codon 66 of the KCNH2 protein (p.Cys66Tyr).

Petrovsky National Research Centre of Surgery, The Federal Agency for Scientific Organizations
Classification: Likely pathogenic for Long QT syndrome 2. Last evaluated: 2018-05-18. Review status: criteria provided, single submitter. Criteria: ACMG Guidelines, 2015. Collection method: clinical testing. Allele origin: inherited, maternal. Inheritance: Autosomal dominant inheritance. Affected: yes. Observed: 2 variant alleles, 2 heterozygotes. Clinical features observed: Prolonged QT interval (HP:0001657), Syncope (HP:0001279), Paroxysmal ventricular tachycardia (HP:0005141), Paroxysmal ventricular tachycardia (HP:0004751).
Comment: The p.C66Y variant in KCNH2 was observed in 1 family with long QT syndrome - both affected members (mother and daughter) carried p.C66Y variant in heterozygous state.

Literature cited by the submitters: PubMed 10187793 (cited by Labcorp Genetics (formerly Invitae), Labcorp); PubMed 10973849 (cited by Labcorp Genetics (formerly Invitae), Labcorp); PubMed 11854117 (cited by Labcorp Genetics (formerly Invitae), Labcorp); PubMed 23303164 (cited by Labcorp Genetics (formerly Invitae), Labcorp); PubMed 25417810 (cited by Labcorp Genetics (formerly Invitae), Labcorp).